The following is an entry in ClinVar:

ClinVar aggregate classification (germline): Uncertain significance (1 of 4 stars; one submission).

Submission:

Labcorp Genetics (formerly Invitae), Labcorp
Classification: Uncertain significance. Last evaluated: 2023-10-29. Review status: criteria provided, single submitter. Criteria: Invitae Variant Classification Sherloc (09022015). Collection method: clinical testing. Allele origin: germline.
Comment: This sequence change replaces glycine, which is neutral and non-polar, with valine, which is neutral and non-polar, at codon 780 of the WFS1 protein (p.Gly780Val). This variant is not present in population databases (gnomAD no frequency). This missense change has been observed in individual(s) with autosomal dominant WFS1-related conditions (Invitae). Advanced modeling of protein sequence and biophysical properties (such as structural, functional, and spatial information, amino acid conservation, physicochemical variation, residue mobility, and thermodynamic stability) performed at Invitae indicates that this missense variant is expected to disrupt WFS1 protein function with a positive predictive value of 80%. This variant disrupts the p.Gly780 amino acid residue in WFS1. Other variant(s) that disrupt this residue have been determined to be pathogenic (PMID: 21538838, 23981289; Invitae). This suggests that this residue is clinically significant, and that variants that disrupt this residue are likely to be disease-causing. In summary, the available evidence is currently insufficient to determine the role of this variant in disease. Therefore, it has been classified as a Variant of Uncertain Significance.

Literature cited by the submitters: PubMed 21538838; PubMed 23981289.

NM_006005.3(WFS1):c.2339G>T (p.Gly780Val)

Gene: WFS1 (wolframin ER transmembrane glycoprotein; plus strand). Cytogenetic location: 4p16.1.
Variant type: single nucleotide variant.
Coding change: c.2339G>T on transcript NM_006005.3 (MANE Select); coding-DNA position 2339, G replaced by T.
Protein change: p.Gly780Val; replaces glycine 780 with valine.
Molecular consequence: missense variant.
Genome position (GRCh38, 1-based): chr4:6,302,134, G>T. VCF-style: chr4-6302134-G-T. GRCh37 (hg19) VCF-style: chr4-6303861-G-T.
Other names: c.2339G>T, p.Gly780Val (NM_001145853.1); short protein forms G780V.
Identifiers: ClinVar variation 2772748 (VCV002772748.3), dbSNP rs2474196868, ClinGen allele CA356178395.